The following is an entry in ClinVar:

NM_001165963.4(SCN1A):c.272T>C (p.Ile91Thr)

Gene: SCN1A (sodium voltage-gated channel alpha subunit 1; minus strand). Cytogenetic location: 2q24.3.
Variant type: single nucleotide variant.
Coding change: c.272T>C on transcript NM_001165963.4 (MANE Select); coding-DNA position 272, T replaced by C.
Protein change: p.Ile91Thr; replaces isoleucine 91 with threonine.
Molecular consequence: missense variant. On other transcripts: 5 prime UTR variant (1), non-coding transcript variant (1).
Genome position (GRCh38, 1-based): chr2:166,058,681, A>G on the plus strand (T>C on the coding strand, the complement: SCN1A is on the minus strand). VCF-style: chr2-166058681-A-G. GRCh37 (hg19) VCF-style: chr2-166915191-A-G.
Other names: c.272T>C, p.Ile91Thr (NM_001165964.3, NM_001202435.3, NM_001353948.2 and 10 more transcripts); c.-2154T>C (NM_001353961.2); short protein forms I91T.
Identifiers: ClinVar variation 68597 (VCV000068597.13), dbSNP rs121918734, ClinGen allele CA285081.

ClinVar aggregate classification (germline): Pathogenic/Likely pathogenic. Review status: criteria provided, multiple submitters, no conflicts (2 of 4 stars). 5 submissions from 5 submitters: Pathogenic (3); Likely pathogenic (1). 1 of the submissions does not count toward it. Last evaluated 2025-07-02.

Conditions:
SCN1A-related disorder. Also called: SCN1A-related conditions; SCN1A-related condition; SCN1A-related disorders.
Generalized epilepsy with febrile seizures plus, type 2 (GEFSP2). Also called: GEFS+, TYPE 2. Identifiers: Orphanet 36387, MedGen C1858673, MONDO:0011461, OMIM 604403.
Severe myoclonic epilepsy in infancy (DRVT). Also called: SEVERE MYOCLONIC EPILEPSY OF INFANCY; Epileptic encephalopathy, early infantile, 6 (Dravet syndrome); DEVELOPMENTAL AND EPILEPTIC ENCEPHALOPATHY 6A; Dravet syndrome; Severe Myoclonic Epilepsy in Infancy (SMEI). Identifiers: Orphanet 33069, MedGen C0751122, MONDO:0100135, OMIM 607208.
Early-infantile DEE. Also called: Early infantile epileptic encephalopathy; Ohtahara syndrome; Early infantile epileptic encephalopathy with suppression bursts. Identifiers: Orphanet 1934, MedGen C0393706, MONDO:0800491.

Submissions (5):

Labcorp Genetics (formerly Invitae), Labcorp
Classification: Pathogenic for Early-infantile DEE. Last evaluated: 2025-07-02. Review status: criteria provided, single submitter. Criteria: Invitae Variant Classification Sherloc (09022015). Collection method: clinical testing. Allele origin: germline.
Comment: This sequence change replaces isoleucine, which is neutral and non-polar, with threonine, which is neutral and polar, at codon 91 of the SCN1A protein (p.Ile91Thr). This variant is not present in population databases (gnomAD no frequency). This missense change has been observed in individual(s) with Dravet syndrome (PMID: 18554359). In at least one individual the variant was observed to be de novo. ClinVar contains an entry for this variant (Variation ID: 68597). Invitae Evidence Modeling of protein sequence and biophysical properties (such as structural, functional, and spatial information, amino acid conservation, physicochemical variation, residue mobility, and thermodynamic stability) indicates that this missense variant is expected to disrupt SCN1A protein function with a positive predictive value of 95%. For these reasons, this variant has been classified as Pathogenic.

Blueprint Genetics
Classification: Likely pathogenic for SCN1A-related disorders. Last evaluated: 2024-04-22. Review status: criteria provided, single submitter. Criteria: ACMG Guidelines, 2015. Collection method: clinical testing. Allele origin: germline. Affected: yes. Observed: 1 variant allele.

Center for Bioinformatics, Peking University
Classification: Pathogenic for Dravet syndrome. Last evaluated: 2014-12-20. Review status: criteria provided, single submitter. Criteria: Xu et al. (Hum Mutat. 2015). Collection method: research. Allele origin: de novo. Affected: yes. Observed: 1 variant allele. Study: University Clinical Cooperation “985 Project” PKU-2014-1-1.
Comment: Dravet syndrome (DS) probands were recruited from the outpatient and inpatient child neurology units of Peking University First Hospital from 2005 till present. The study was approved by the Ethics Committee of Peking University First Hospital and the Institutional Review Board at Peking University. Participants or their parents provided written informed consent before enrollment. We collected a total of 267 mutations from 255 families with probands diagnosed with DS in China. All probands fulfilled the clinical diagnostic criteria.

Lifecell International Pvt. Ltd
Classification: Pathogenic for Generalized epilepsy with febrile seizures plus, type 2. Review status: criteria provided, single submitter. Criteria: ACMG Guidelines, 2015. Collection method: clinical testing. Allele origin: germline. Inheritance: Autosomal dominant inheritance. Affected: yes. Observed: 1 heterozygote.
Comment: A Heterozygous Missense variant c.272T>C in Exon 5 of the SCN1A gene that results in the amino acid substitution p.Ile91Thr was identified. The observed variant is novel in gnomAD exomes and genomes, respectively. The severity of the impact of this variant on the protein is high, based on the effect of the protein and REVEL score . Rare Exome Variant Ensemble Learner (REVEL) is an ensembl method for predicting the pathogenicity of missense variants based on a combination of scores from 13 individual tools: MutPred, FATHMM v2.3, VEST 3.0, PolyPhen-2, SIFT, PROVEAN, MutationAssessor, MutationTaster, LRT, GERP++, SiPhy, phyloP, and phastCons. The REVEL score for an individual missense variant can range from 0 to 1, with higher scores reflecting greater likelihood that the variant is disease-causing. ClinVar has also classified this variant as Pathogenic(variant ID 68597). This variant performed at Invitae indicates that this missense variant is expected to disrupt SCN1A protein function(Sun H, et al., 2008). This variant has been observed in many individuals affected with Generalized epilepsy with febrile seizures reported by (Xu X et al., 2015). Based on the above evidence this variant has been classified as Pathogenic according to the ACMG guidelines.

UniProtKB/Swiss-Prot
No classification provided. Condition: Severe myoclonic epilepsy in infancy. Review status: no classification provided. Collection method: not provided. Allele origin: germline. Not counted in ClinVar's aggregate classification.

Literature cited by the submitters: PubMed 18554359 (cited by Labcorp Genetics (formerly Invitae), Labcorp); PubMed 18566737 (cited by Lifecell International Pvt. Ltd); PubMed 25754450 (cited by Lifecell International Pvt. Ltd).